The following is an entry in ClinVar:

ClinVar aggregate classification (germline): Uncertain significance (1 of 4 stars; one submission).

Conditions:
Hereditary cancer-predisposing syndrome. Also called: Hereditary Cancer Syndrome; Hereditary neoplastic syndrome; Neoplastic Syndromes, Hereditary; Tumor predisposition. Identifiers: Orphanet 140162, MedGen C0027672, MeSH D009386, MONDO:0015356.

Submission:

Ambry Genetics
Classification: Uncertain significance for Hereditary cancer-predisposing syndrome. Last evaluated: 2022-09-12. Review status: criteria provided, single submitter. Criteria: Ambry Variant Classification Scheme 2023. Collection method: clinical testing. Allele origin: germline.
Comment: The p.Y326S variant (also known as c.977A>C), located in coding exon 7 of the SMARCB1 gene, results from an A to C substitution at nucleotide position 977. The tyrosine at codon 326 is replaced by serine, an amino acid with dissimilar properties. Missense and in-frame variants in SMARCB1 are known to cause neurodevelopmental disorders; however, such associations with rhabdoid tumor predisposition syndrome are exceedingly rare (Kosho T et al. Am J Med Genet C Semin Med Genet. 2014 Sep;166C(3):262-75; Eaton KW et al. Pediatr Blood Cancer. 2011 Jan;56(1):7-15). This amino acid position is highly conserved in available vertebrate species. In addition, this alteration is predicted to be deleterious by in silico analysis. Since supporting evidence is limited at this time, the clinical significance of this alteration remains unclear.

NM_003073.5(SMARCB1):c.977A>C (p.Tyr326Ser)

Gene: SMARCB1 (SWI/SNF related BAF chromatin remodeling complex subunit B1; plus strand). Cytogenetic location: 22q11.23.
Variant type: single nucleotide variant.
Coding change: c.977A>C on transcript NM_003073.5 (MANE Select); coding-DNA position 977, A replaced by C.
Protein change: p.Tyr326Ser; replaces tyrosine 326 with serine.
Molecular consequence: missense variant.
Genome position (GRCh38, 1-based): chr22:23,825,406, A>C. VCF-style: chr22-23825406-A-C. GRCh37 (hg19) VCF-style: chr22-24167593-A-C.
Other names: c.950A>C, p.Tyr317Ser (NM_001007468.3); c.1004A>C, p.Tyr335Ser (NM_001317946.2); c.1031A>C, p.Tyr344Ser (NM_001362877.2); short protein forms Y326S, Y335S, Y317S, Y344S.
Identifiers: ClinVar variation 1768155 (VCV001768155.2), dbSNP rs2517724934, ClinGen allele CA410908197.